The following is an entry in ClinVar:

NM_201384.3(PLEC):c.13461_13462inv (p.Gly4488Ser)

Gene: PLEC (plectin; minus strand). Cytogenetic location: 8q24.3.
Variant type: Inversion.
Coding change: c.13461_13462inv on transcript NM_201384.3 (MANE Select).
Protein change: p.Gly4488Ser; replaces glycine 4488 with serine.
Molecular consequence: missense variant.
Genome position: GRCh38 VCF-style: chr8-143916359-CA-TG. GRCh37 (hg19) VCF-style: chr8-144990527-CA-TG.
Other names: c.13542_13543inv, p.Gly4515Ser (NM_000445.5); c.13419_13420inv, p.Gly4474Ser (NM_201378.4); c.13395_13396inv, p.Gly4466Ser (NM_201379.3); c.13872_13873inv, p.Gly4625Ser (NM_201380.4); c.13365_13366inv, p.Gly4456Ser (NM_201381.3); c.13461_13462inv, p.Gly4488Ser (NM_201382.4); c.13473_13474inv, p.Gly4492Ser (NM_201383.3); short protein forms G4515S, G4474S, G4492S, G4625S, G4456S, G4466S, G4488S.
Identifiers: ClinVar variation 1439795 (VCV001439795.8), ClinGen allele CA2573142975.

ClinVar aggregate classification (germline): Uncertain significance (1 of 4 stars; one submission).

Conditions:
Epidermolysis bullosa simplex 5B, with muscular dystrophy (EBS5B). Also called: EPIDERMOLYSIS BULLOSA SIMPLEX AND LIMB-GIRDLE MUSCULAR DYSTROPHY; Epidermolysis bullosa simplex with muscular dystrophy. Identifiers: Orphanet 257, MedGen C2931072, MONDO:0009181, OMIM 226670.
Epidermolysis bullosa simplex 5C, with pyloric atresia (EBS5C). Also called: Epidermolysis bullosa simplex with pyloric atresia; PLEC-Related Epidermolysis Bullosa with Pyloric Atresia; PLEC1-Related Epidermolysis Bullosa with Pyloric Atresia. Identifiers: Orphanet 158684, MedGen C2677349, MONDO:0012807, OMIM 612138.
Autosomal recessive limb-girdle muscular dystrophy type 2Q (LGMDR17). Also called: MUSCULAR DYSTROPHY, LIMB-GIRDLE, AUTOSOMAL RECESSIVE 17. Identifiers: Orphanet 254361, MedGen C3150989, MONDO:0013390, OMIM 613723.
Epidermolysis bullosa simplex with nail dystrophy (EBS5D). Identifiers: MedGen C4225309, MONDO:0014661, OMIM 616487.
Epidermolysis bullosa simplex, Ogna type (EBS5A). Also called: Pidermolysis bullosa simplex 5A, Ogna type; EPIDERMOLYSIS BULLOSA SIMPLEX 5A, OGNA TYPE. Identifiers: Orphanet 79401, MedGen C0432317, MONDO:0007555, OMIM 131950.

Submission:

Labcorp Genetics (formerly Invitae), Labcorp
Classification: Uncertain significance for Autosomal recessive limb-girdle muscular dystrophy type 2Q; Epidermolysis bullosa simplex, Ogna type; Epidermolysis bullosa simplex with nail dystrophy; Epidermolysis bullosa simplex 5C, with pyloric atresia; Epidermolysis bullosa simplex 5B, with muscular dystrophy. Last evaluated: 2025-07-30. Review status: criteria provided, single submitter. Criteria: Invitae Variant Classification Sherloc (09022015). Collection method: clinical testing. Allele origin: germline.
Comment: This sequence change replaces glycine, which is neutral and non-polar, with serine, which is neutral and polar, at codon 4515 of the PLEC protein (p.Gly4515Ser). Information on the frequency of this variant in the gnomAD database is not available, as this variant may be reported differently in the database. This variant has not been reported in the literature in individuals affected with PLEC-related conditions. ClinVar contains an entry for this variant (Variation ID: 1439795). Experimental studies and prediction algorithms are not available or were not evaluated, and the functional significance of this variant is currently unknown. In summary, the available evidence is currently insufficient to determine the role of this variant in disease. Therefore, it has been classified as a Variant of Uncertain Significance.